The following is an entry in ClinVar:

ClinVar aggregate classification (germline): Conflicting classifications of pathogenicity. Review status: criteria provided, conflicting classifications (1 of 4 stars). 3 submissions from 3 submitters: Uncertain significance (1); Likely benign (2). Last evaluated 2021-12-03.

Conditions:
Emery-Dreifuss muscular dystrophy 4, autosomal dominant (EDMD4). Also called: EMERY-DREIFUSS MUSCULAR DYSTROPHY 4 WITH VARIABLE FEATURES. Identifiers: Orphanet 261, MedGen C2751807, MONDO:0013071, OMIM 612998.
Autosomal recessive ataxia, Beauce type. Also called: SYNE1-Related Autosomal Recessive Cerebellar Ataxia; Spinocerebellar ataxia, autosomal recessive 8; ATAXIA, RECESSIVE, OF BEAUCE; SYNE1 Deficiency. Identifiers: Orphanet 88644, MedGen C1853116, MONDO:0012549, OMIM 610743.

Allele frequency attached by ClinVar (database versions not stated): gnomAD exomes below 0.00001 and 0.00001; ExAC 0.00001; gnomAD 0.00001; TOPMed 0.00001.
gnomAD v4.1: 8 of 1,614,080 alleles (0.0005%); highest among the groups gnomAD compares: South Asian, 0.0011%; no homozygotes.

Submissions (3):

Labcorp Genetics (formerly Invitae), Labcorp
Classification: Likely benign for Emery-Dreifuss muscular dystrophy 4, autosomal dominant; Autosomal recessive ataxia, Beauce type. Last evaluated: 2021-12-03. Review status: criteria provided, single submitter. Criteria: Invitae Variant Classification Sherloc (09022015). Collection method: clinical testing. Allele origin: germline.

ARUP Laboratories, Molecular Genetics and Genomics, ARUP Laboratories
Classification: Likely benign. Last evaluated: 2018-02-09. Review status: criteria provided, single submitter. Criteria: ARUP Molecular Germline Variant Investigation Process. Collection method: clinical testing. Allele origin: germline.
Comment: The p.Lys8654Lys, to our knowledge, is not reported in the medical literature, gene specific variation databases, nor has it been previously identified by our laboratory. This variant is listed in the Genome Aggregation Database (gnomAD) identified on 2 out of 246,210 chromosomes. The guanine at position c.25962 is not highly conserved and computational splice site prediction algorithms do not predict a change in the nearest splice site or creation of a cryptic splice site (Alamut v2.10). Based on the available information, the p.Lys8654Lys variant is likely to be benign.

Eurofins Ntd Llc (ga)
Classification: Uncertain significance. Last evaluated: 2016-10-04. Review status: criteria provided, single submitter. Criteria: EGL Classification Definitions 2015. Collection method: clinical testing. Allele origin: germline. Observed: 1 variant allele, 1 heterozygote.

NM_182961.4(SYNE1):c.26106G>A (p.Lys8702=)

Gene: SYNE1 (spectrin repeat containing nuclear envelope protein 1; minus strand). Cytogenetic location: 6q25.2.
Variant type: single nucleotide variant.
Coding change: c.26106G>A on transcript NM_182961.4 (MANE Select); coding-DNA position 26106, G replaced by A.
Protein change: p.Lys8702=; no amino-acid change (lysine 8702 retained).
Molecular consequence: synonymous variant. On other transcripts: intron variant (1).
Genome position (GRCh38, 1-based): chr6:152,130,767, C>T on the plus strand (G>A on the coding strand, the complement: SYNE1 is on the minus strand). VCF-style: chr6-152130767-C-T. GRCh37 (hg19) VCF-style: chr6-152451902-C-T.
Other names: c.2640G>A, p.Lys880= (NM_001347702.2); c.25962G>A, p.Lys8654= (NM_033071.5); c.2700+1355G>A (NM_001347701.2).
Identifiers: ClinVar variation 497363 (VCV000497363.23), dbSNP rs765865910, ClinGen allele CA4052656.
Genomic context (GRCh38, chr6:152,130,767, plus strand): 5'-GAGAAGGAGGTACCTGCTATGTGGACTGCTGACAGAGGGTCCAGGCTGTGAGAGACTACA[C>T]TTGCCTCGTGGCTGTTTGCAATGAACAGGGGGTAAAGAAAGAAGAATGTTCAGTCCAGGC-3'
Protein context (NP_892006.3, residues 8692-8712): TPNRQKTPRG[Lys8702=]CSLSQPGPSV